The following is an entry in ClinVar:

ClinVar aggregate classification (germline): Uncertain significance (1 of 4 stars; one submission).

Submission:

Labcorp Genetics (formerly Invitae), Labcorp
Classification: Uncertain significance. Last evaluated: 2025-10-03. Review status: criteria provided, single submitter. Criteria: Invitae Variant Classification Sherloc (09022015). Collection method: clinical testing. Allele origin: germline.
Comment: This sequence change replaces lysine, which is basic and polar, with arginine, which is basic and polar, at codon 374 of the CD46 protein (p.Lys374Arg). This variant is not present in population databases (gnomAD no frequency). This variant has not been reported in the literature in individuals affected with CD46-related conditions. An algorithm developed to predict the effect of missense changes on protein structure and function outputs the following: PolyPhen-2: "Probably Damaging". The arginine amino acid residue is found in multiple mammalian species, which suggests that this missense change does not adversely affect protein function. In summary, the available evidence is currently insufficient to determine the role of this variant in disease. Therefore, it has been classified as a Variant of Uncertain Significance.

NM_172351.3(CD46):c.1076A>G (p.Lys359Arg)

Gene: CD46 (CD46 molecule; plus strand). Cytogenetic location: 1q32.2.
Variant type: single nucleotide variant.
Coding change: c.1076A>G on transcript NM_172351.3 (MANE Select); coding-DNA position 1076, A replaced by G.
Protein change: p.Lys359Arg; replaces lysine 359 with arginine.
Molecular consequence: missense variant. On other transcripts: intron variant (1).
Genome position (GRCh38, 1-based): chr1:207,785,676, A>G. VCF-style: chr1-207785676-A-G. GRCh37 (hg19) VCF-style: chr1-207959021-A-G.
Other names: c.1121A>G, p.Lys374Arg (NM_002389.4, NM_172359.3); c.1076A>G, p.Lys359Arg (NM_153826.4); c.1031A>G, p.Lys344Arg (NM_172352.3, NM_172353.3); c.1034A>G, p.Lys345Arg (NM_172355.3, NM_172356.3); c.989A>G, p.Lys330Arg (NM_172357.3, NM_172361.3); c.1039A>G, p.Arg347Gly (NM_172358.3); c.973+570A>G (NM_172350.3); short protein forms K344R, R347G, K330R, K374R, K345R, K359R.
Identifiers: ClinVar variation 4750021 (VCV004750021.1).